The following is an entry in ClinVar:

NM_006389.5(HYOU1):c.1198G>A (p.Val400Met)

Genes: HYOU1 (hypoxia up-regulated 1; minus strand), LOC130006884 (ATAC-STARR-seq lymphoblastoid active region 5617; plus strand). Cytogenetic location: 11q23.3.
Variant type: single nucleotide variant.
Coding change: c.1198G>A on transcript NM_006389.5 (MANE Select); coding-DNA position 1198, G replaced by A.
Protein change: p.Val400Met; replaces valine 400 with methionine.
Molecular consequence: missense variant.
Genome position (GRCh38, 1-based): chr11:119,052,097, C>T on the plus strand (G>A on the coding strand, the complement: HYOU1 is on the minus strand). VCF-style: chr11-119052097-C-T. GRCh37 (hg19) VCF-style: chr11-118922809-C-T.
Other names: c.1198G>A, p.Val400Met (NM_001130991.3); short protein forms V400M.
Identifiers: ClinVar variation 1512490 (VCV001512490.6), dbSNP rs781881422, ClinGen allele CA229622836.
Genomic context (GRCh38, chr11:119,052,097, plus strand): 5'-CAAAGCCCTGCCCCAGGCAGAACTCAGCCAAGCGCTCTAGCCCCCACACTCACTTGCCCA[C>T]GGCCTTCAGCAGCACCTCCTGAACTCTGGGGACCCGAGTGGCCCCACCCACCAGGATCAC-3'
Protein context (NP_006380.1, residues 390-410): PRVQEVLLKA[Val400Met]GKEELGKNIN

ClinVar aggregate classification (germline): Uncertain significance (1 of 4 stars; one submission).

Allele frequency attached by ClinVar (database versions not stated): TOPMed 0.00002.
gnomAD v4.1: 31 of 1,614,052 alleles (0.0019%); highest among the groups gnomAD compares: East Asian, 0.0067%; no homozygotes.

Submission:

Labcorp Genetics (formerly Invitae), Labcorp
Classification: Uncertain significance. Last evaluated: 2025-09-30. Review status: criteria provided, single submitter. Criteria: Invitae Variant Classification Sherloc (09022015). Collection method: clinical testing. Allele origin: germline.
Comment: This sequence change replaces valine, which is neutral and non-polar, with methionine, which is neutral and non-polar, at codon 400 of the HYOU1 protein (p.Val400Met). This variant is present in population databases (rs781881422, gnomAD 0.02%). This variant has not been reported in the literature in individuals affected with HYOU1-related conditions. ClinVar contains an entry for this variant (Variation ID: 1512490). An algorithm developed to predict the effect of missense changes on protein structure and function (PolyPhen-2) suggests that this variant is likely to be disruptive. In summary, the available evidence is currently insufficient to determine the role of this variant in disease. Therefore, it has been classified as a Variant of Uncertain Significance.